The following is an entry in ClinVar:

ClinVar aggregate classification (germline): Likely benign (1 of 4 stars; one submission).

Conditions:
DZIP1L-related disorder. Also called: DZIP1L-related condition.

gnomAD v4.1: 3 of 1,594,796 alleles (0.00019%); highest among the groups gnomAD compares: Non-Finnish European, 0.00026%; no homozygotes.

Submission:

PreventionGenetics, part of Exact Sciences
Classification: Likely benign for DZIP1L-related condition. Last evaluated: 2024-11-25. Review status: criteria provided, single submitter. Criteria: ACMG Guidelines, 2015. Collection method: clinical testing. Allele origin: germline.
Comment: This variant is classified as likely benign based on ACMG/AMP sequence variant interpretation guidelines (Richards et al. 2015 PMID: 25741868, with internal and published modifications).

NM_173543.3(DZIP1L):c.2025C>A (p.Val675=)

Gene: DZIP1L (DAZ interacting zinc finger protein 1 like; minus strand). Cytogenetic location: 3q22.3.
Variant type: single nucleotide variant.
Coding change: c.2025C>A on transcript NM_173543.3 (MANE Select); coding-DNA position 2025, C replaced by A.
Protein change: p.Val675=; no amino-acid change (valine 675 retained).
Molecular consequence: synonymous variant.
Genome position (GRCh38, 1-based): chr3:138,064,745, G>T on the plus strand (C>A on the coding strand, the complement: DZIP1L is on the minus strand). VCF-style: chr3-138064745-G-T. GRCh37 (hg19) VCF-style: chr3-137783587-G-T.
Identifiers: ClinVar variation 4980154 (VCV004980154.1).